The following is an entry in ClinVar:

NM_000440.3(PDE6A):c.2392A>G (p.Met798Val)

Gene: PDE6A (phosphodiesterase 6A; minus strand). Cytogenetic location: 5q32.
Variant type: single nucleotide variant.
Coding change: c.2392A>G on transcript NM_000440.3 (MANE Select); coding-DNA position 2392, A replaced by G.
Protein change: p.Met798Val; replaces methionine 798 with valine.
Molecular consequence: missense variant.
Genome position (GRCh38, 1-based): chr5:149,863,233, T>C on the plus strand (A>G on the coding strand, the complement: PDE6A is on the minus strand). VCF-style: chr5-149863233-T-C. GRCh37 (hg19) VCF-style: chr5-149242796-T-C.
Other names: short protein forms M798V.
Identifiers: ClinVar variation 851768 (VCV000851768.10), dbSNP rs750914798, ClinGen allele CA3504287.
Genomic context (GRCh38, chr5:149,863,233, plus strand): 5'-CATCGTACTCATCAGCAAGCGCCTTCCACTCCTTGCGATTGTTGGTGATCCCGTCCAACA[T>C]TGGGGTGATCTCCTCGTGGAAACGGGAGAATTCCTAGAAGAGAGAGTATGTGCCTCTGGT-3'
Protein context (NP_000431.2, residues 788-808): FSRFHEEITP[Met798Val]LDGITNNRKE

ClinVar aggregate classification (germline): Conflicting classifications of pathogenicity. Review status: criteria provided, conflicting classifications (1 of 4 stars). 2 submissions from 2 submitters: Likely pathogenic (1); Uncertain significance (1). Last evaluated 2024-11-23.

Conditions:
PDE6A-related disorder. Also called: PDE6A-related condition.

Allele frequency attached by ClinVar (database versions not stated): gnomAD exomes below 0.00001 and 0.00001; TOPMed below 0.00001; gnomAD 0.00001; ExAC 0.00002.
gnomAD v4.1: 8 of 1,614,022 alleles (0.0005%); highest among the groups gnomAD compares: South Asian, 0.0066%; no homozygotes.

Submissions (2):

Blueprint Genetics
Classification: Likely pathogenic for PDE6A-related disorders. Last evaluated: 2024-11-23. Review status: criteria provided, single submitter. Criteria: ACMG Guidelines, 2015. Collection method: clinical testing. Allele origin: germline. Affected: yes. Observed: 5 variant alleles.

Labcorp Genetics (formerly Invitae), Labcorp
Classification: Uncertain significance. Last evaluated: 2022-12-21. Review status: criteria provided, single submitter. Criteria: Invitae Variant Classification Sherloc (09022015). Collection method: clinical testing. Allele origin: germline.
Comment: In summary, the available evidence is currently insufficient to determine the role of this variant in disease. Therefore, it has been classified as a Variant of Uncertain Significance. Advanced modeling of protein sequence and biophysical properties (such as structural, functional, and spatial information, amino acid conservation, physicochemical variation, residue mobility, and thermodynamic stability) performed at Invitae indicates that this missense variant is not expected to disrupt PDE6A protein function. ClinVar contains an entry for this variant (Variation ID: 851768). This missense change has been observed in individual(s) with clinical features of PDE6A-related conditions (PMID: 32579692; Invitae). In at least one individual the data is consistent with being in trans (on the opposite chromosome) from a pathogenic variant. This variant is present in population databases (rs750914798, gnomAD 0.01%). This sequence change replaces methionine, which is neutral and non-polar, with valine, which is neutral and non-polar, at codon 798 of the PDE6A protein (p.Met798Val).

Literature cited by the submitters: PubMed 32579692 (cited by Labcorp Genetics (formerly Invitae), Labcorp).